The following is an entry in ClinVar:

NM_014339.7(IL17RA):c.2431_2439del (p.Met811_Glu813del)

Gene: IL17RA (interleukin 17 receptor A; plus strand). Cytogenetic location: 22q11.1.
Variant type: Deletion.
Coding change: c.2431_2439del on transcript NM_014339.7 (MANE Select); coding-DNA positions 2431 to 2439, 9 bases deleted (ATGGAGGAA; older notation c.2431_2439delATGGAGGAA).
Protein change: p.Met811_Glu813del.
Molecular consequence: inframe deletion.
Genome position (GRCh38, 1-based): chr22:17,109,650-17,109,658, ATGGAGGAA deleted; deleting any 9 consecutive bases within chr22:17,109,646-17,109,658 gives the same sequence; the c. name uses the placement nearest the transcript's 3' end. VCF-style (leftmost placement, unchanged base first): chr22-17109645-CGGAAATGGA-C. GRCh37 (hg19) VCF-style: chr22-17590535-CGGAAATGGA-C.
Other names: c.2329_2337del, p.Met777_Glu779del (NM_001289905.2).
Identifiers: ClinVar variation 939908 (VCV000939908.7), dbSNP rs749121666, ClinGen allele CA10086989.

ClinVar aggregate classification (germline): Uncertain significance (1 of 4 stars; one submission).

Conditions:
Immunodeficiency 51 (IMD51). Also called: CANDIDIASIS, FAMILIAL, 5. Identifiers: Orphanet 1334, MedGen C4310803, MONDO:0013500, OMIM 613953.

Submission:

Labcorp Genetics (formerly Invitae), Labcorp
Classification: Uncertain significance for Immunodeficiency 51. Last evaluated: 2019-08-09. Review status: criteria provided, single submitter. Criteria: Invitae Variant Classification Sherloc (09022015). Collection method: clinical testing. Allele origin: germline.
Comment: In summary, the available evidence is currently insufficient to determine the role of this variant in disease. Therefore, it has been classified as a Variant of Uncertain Significance. Experimental studies and prediction algorithms are not available or were not evaluated for this variant, and the functional significance of this variant is currently unknown. This variant has not been reported in the literature in individuals with IL17RA-related conditions. This variant is present in population databases (rs749121666, ExAC 0.02%). This variant, c.2431_2439del, results in the deletion of 3 amino acid(s) of the IL17RA protein (p.Met811_Glu813del), but otherwise preserves the integrity of the reading frame.